The following is an entry in ClinVar:

ClinVar aggregate classification (germline): Likely benign. Review status: criteria provided, single submitter (1 of 4 stars). 2 submissions from 2 submitters: Likely benign (1). 1 of the submissions does not count toward it. Last evaluated 2025-09-10.

Conditions:
Emery-Dreifuss muscular dystrophy 4, autosomal dominant (EDMD4). Also called: EMERY-DREIFUSS MUSCULAR DYSTROPHY 4 WITH VARIABLE FEATURES. Identifiers: Orphanet 261, MedGen C2751807, MONDO:0013071, OMIM 612998.
Autosomal recessive ataxia, Beauce type. Also called: Spinocerebellar ataxia, autosomal recessive 8; ATAXIA, RECESSIVE, OF BEAUCE; SYNE1-Related Autosomal Recessive Cerebellar Ataxia; SYNE1 Deficiency. Identifiers: Orphanet 88644, MedGen C1853116, MONDO:0012549, OMIM 610743.
SYNE1-related disorder. Also called: SYNE1-related disorders; SYNE1-related disease; SYNE1-related condition.

Allele frequency attached by ClinVar (database versions not stated): TOPMed 0.00001; gnomAD 0.00003 and 0.00004; ExAC 0.00004; gnomAD exomes 0.00005 and 0.00013.
gnomAD v4.1: 192 of 1,613,940 alleles (0.012%); highest among the groups gnomAD compares: Non-Finnish European, 0.016%; no homozygotes.

Submissions (2):

Labcorp Genetics (formerly Invitae), Labcorp
Classification: Likely benign for Emery-Dreifuss muscular dystrophy 4, autosomal dominant; Autosomal recessive ataxia, Beauce type. Last evaluated: 2025-09-10. Review status: criteria provided, single submitter. Criteria: Invitae Variant Classification Sherloc (09022015). Collection method: clinical testing. Allele origin: germline.

PreventionGenetics, part of Exact Sciences
Classification: Benign for SYNE1-related condition. Last evaluated: 2019-06-05. Review status: no assertion criteria provided. Collection method: clinical testing. Allele origin: germline. Not counted in ClinVar's aggregate classification.
Comment: This variant is classified as benign based on ACMG/AMP sequence variant interpretation guidelines (Richards et al. 2015 PMID: 25741868, with internal and published modifications).

NM_182961.4(SYNE1):c.1428A>G (p.Pro476=)

Gene: SYNE1 (spectrin repeat containing nuclear envelope protein 1; minus strand). Cytogenetic location: 6q25.2.
Variant type: single nucleotide variant.
Coding change: c.1428A>G on transcript NM_182961.4 (MANE Select); coding-DNA position 1428, A replaced by G.
Protein change: p.Pro476=; no amino-acid change (proline 476 retained).
Molecular consequence: synonymous variant.
Genome position (GRCh38, 1-based): chr6:152,472,336, T>C on the plus strand (A>G on the coding strand, the complement: SYNE1 is on the minus strand). VCF-style: chr6-152472336-T-C. GRCh37 (hg19) VCF-style: chr6-152793471-T-C.
Other names: c.1449A>G, p.Pro483= (NM_033071.5); c.1449A>G (NM_033071.3).
Identifiers: ClinVar variation 1085407 (VCV001085407.11), dbSNP rs778574491, ClinGen allele CA4059405.